The following is an entry in ClinVar:

ClinVar aggregate classification (germline): Conflicting classifications of pathogenicity. Review status: criteria provided, conflicting classifications (1 of 4 stars). 4 submissions from 4 submitters: Uncertain significance (3); Likely benign (1). Last evaluated 2026-05-04.

Conditions:
COL11A1-related disorder. Also called: COL11A1-related condition; COL11A1-related disorders.

Allele frequency attached by ClinVar (database versions not stated): gnomAD 0.00001; gnomAD exomes 0.00001; ExAC 0.00002; TOPMed 0.00003; ESP Exome Variant Server 0.00008.
gnomAD v4.1: 10 of 1,613,462 alleles (0.00062%); highest among the groups gnomAD compares: African/African-American, 0.0027%; no homozygotes.

Submissions (4):

PreventionGenetics, part of Exact Sciences
Classification: Uncertain significance for COL11A1-related condition. Last evaluated: 2026-05-04. Review status: criteria provided, single submitter. Criteria: ACMG Guidelines, 2015. Collection method: clinical testing. Allele origin: germline.
Comment: The COL11A1 c.4418G>A variant is predicted to result in the amino acid substitution p.Arg1473Gln. To our knowledge, this variant has not been reported in the literature. This variant is reported in 0.0026% of alleles in individuals of European (Non-Finnish) descent in gnomAD. At this time, the clinical significance of this variant is uncertain due to the absence of conclusive functional and genetic evidence.

GeneDx
Classification: Uncertain significance. Last evaluated: 2025-03-16. Review status: criteria provided, single submitter. Criteria: GeneDx Variant Classification Process June 2021. Collection method: clinical testing. Allele origin: germline. Affected: yes.
Comment: Has not been previously published as pathogenic or benign to our knowledge; Not observed at significant frequency in large population cohorts (gnomAD); In silico analysis supports that this missense variant has a deleterious effect on protein structure/function

Labcorp Genetics (formerly Invitae), Labcorp
Classification: Likely benign. Last evaluated: 2024-01-22. Review status: criteria provided, single submitter. Criteria: Invitae Variant Classification Sherloc (09022015). Collection method: clinical testing. Allele origin: germline.

Blueprint Genetics
Classification: Uncertain significance. Last evaluated: 2021-05-28. Review status: criteria provided, single submitter. Criteria: ACMG Guidelines, 2015. Collection method: clinical testing. Allele origin: germline.

NM_001854.4(COL11A1):c.4418G>A (p.Arg1473Gln)

Gene: COL11A1 (collagen type XI alpha 1 chain; minus strand). Cytogenetic location: 1p21.1.
Variant type: single nucleotide variant.
Coding change: c.4418G>A on transcript NM_001854.4 (MANE Select); coding-DNA position 4418, G replaced by A.
Protein change: p.Arg1473Gln; replaces arginine 1473 with glutamine.
Molecular consequence: missense variant. On other transcripts: non-coding transcript variant (1).
Genome position (GRCh38, 1-based): chr1:102,889,501, C>T on the plus strand (G>A on the coding strand, the complement: COL11A1 is on the minus strand). VCF-style: chr1-102889501-C-T. GRCh37 (hg19) VCF-style: chr1-103355057-C-T.
Other names: c.4070G>A, p.Arg1357Gln (NM_001168249.1, NM_080630.4); c.4301G>A, p.Arg1434Gln (NM_001190709.2); c.4454G>A, p.Arg1485Gln (NM_080629.3); c.4418G>A (NM_001854.3); short protein forms R1357Q, R1434Q, R1473Q, R1485Q.
Identifiers: ClinVar variation 2421870 (VCV002421870.9), dbSNP rs369947899, ClinGen allele CA973548.